The following is an entry in ClinVar:

ClinVar aggregate classification (germline): Uncertain significance (1 of 4 stars; one submission).

gnomAD v4.1: 8 of 1,601,818 alleles (0.0005%); highest among the groups gnomAD compares: African/African-American, 0.0094%; no homozygotes.

Submission:

Labcorp Genetics (formerly Invitae), Labcorp
Classification: Uncertain significance. Last evaluated: 2024-03-18. Review status: criteria provided, single submitter. Criteria: Invitae Variant Classification Sherloc (09022015). Collection method: clinical testing. Allele origin: germline.
Comment: This sequence change replaces glutamine, which is neutral and polar, with histidine, which is basic and polar, at codon 33 of the XPR1 protein (p.Gln33His). This variant is present in population databases (rs150022313, gnomAD 0.02%). This variant has not been reported in the literature in individuals affected with XPR1-related conditions. Advanced modeling of protein sequence and biophysical properties (such as structural, functional, and spatial information, amino acid conservation, physicochemical variation, residue mobility, and thermodynamic stability) performed at Invitae indicates that this missense variant is not expected to disrupt XPR1 protein function with a negative predictive value of 80%. In summary, the available evidence is currently insufficient to determine the role of this variant in disease. Therefore, it has been classified as a Variant of Uncertain Significance.

NM_004736.4(XPR1):c.99G>C (p.Gln33His)

Gene: XPR1 (xenotropic and polytropic retrovirus receptor 1; plus strand). Cytogenetic location: 1q25.3.
Variant type: single nucleotide variant.
Coding change: c.99G>C on transcript NM_004736.4 (MANE Select); coding-DNA position 99, G replaced by C.
Protein change: p.Gln33His; replaces glutamine 33 with histidine.
Molecular consequence: missense variant. On other transcripts: non-coding transcript variant (1).
Genome position (GRCh38, 1-based): chr1:180,682,389, G>C. VCF-style: chr1-180682389-G-C. GRCh37 (hg19) VCF-style: chr1-180651525-G-C.
Other names: c.99G>C, p.Gln33His (NM_001135669.2, NM_001328662.2); short protein forms Q33H.
Identifiers: ClinVar variation 3618813 (VCV003618813.2).